The following is an entry in ClinVar:

ClinVar aggregate classification (germline): Benign. Review status: criteria provided, single submitter (1 of 4 stars). 2 submissions from 2 submitters: Benign (1). 1 of the submissions does not count toward it. Last evaluated 2024-09-04.

Conditions:
SLC10A2-related disorder. Also called: SLC10A2-related condition.

Submissions (2):

Labcorp Genetics (formerly Invitae), Labcorp
Classification: Benign. Last evaluated: 2024-09-04. Review status: criteria provided, single submitter. Criteria: Invitae Variant Classification Sherloc (09022015). Collection method: clinical testing. Allele origin: germline.

PreventionGenetics, part of Exact Sciences
Classification: Likely benign for SLC10A2-related condition. Last evaluated: 2019-09-19. Review status: no assertion criteria provided. Collection method: clinical testing. Allele origin: germline. Not counted in ClinVar's aggregate classification.
Comment: This variant is classified as likely benign based on ACMG/AMP sequence variant interpretation guidelines (Richards et al. 2015 PMID: 25741868, with internal and published modifications).

NM_000452.3(SLC10A2):c.586-4del

Gene: SLC10A2 (solute carrier family 10 member 2; minus strand). Cytogenetic location: 13q33.1.
Variant type: Deletion.
Coding change: c.586-4del on transcript NM_000452.3 (MANE Select); 4 bases into the intron before coding-DNA position 586, one base deleted (T; older notation c.586-4delT).
Molecular consequence: intron variant.
Genome position (GRCh38, 1-based): chr13:103,051,436, A deleted on the plus strand (T on the coding strand, the reverse complement: SLC10A2 is on the minus strand); the first of 9 consecutive A bases (chr13:103,051,436-103,051,444); deleting any one gives the same sequence. VCF-style (leftmost placement, unchanged base first): chr13-103051435-GA-G. GRCh37 (hg19) VCF-style: chr13-103703785-GA-G.
Other names: c.586-4delT (NM_000452.2).
Identifiers: ClinVar variation 2066732 (VCV002066732.6), dbSNP rs199940758, ClinGen allele CA7042121.
Genomic context (GRCh38, chr13:103,051,435, plus strand): 5'-ATATTCCTCCAACCACAGCTATGAGCACAATGAGGATGGCGCCCGCGATGGACCCAATCT[GA>G]AAAAAAAAGGAATAAGTGAACCCAGCAATCATGAGTCAAAGCAAATCCAAGTATGTTTGT-3'